The following is an entry in ClinVar:

NM_007294.4(BRCA1):c.3737C>T (p.Thr1246Ile)

Genes: BRCA1 (BRCA1 DNA repair associated; minus strand), LOC126862571 (BRD4-independent group 4 enhancer GRCh37_chr17:41243136-41244335; plus strand). Cytogenetic location: 17q21.31.
Variant type: single nucleotide variant.
Coding change: c.3737C>T on transcript NM_007294.4 (MANE Select); coding-DNA position 3737, C replaced by T.
Protein change: p.Thr1246Ile; replaces threonine 1246 with isoleucine.
Molecular consequence: missense variant. On other transcripts: intron variant (135).
Genome position (GRCh38, 1-based): chr17:43,091,794, G>A on the plus strand (C>T on the coding strand, the complement: BRCA1 is on the minus strand). VCF-style: chr17-43091794-G-A. GRCh37 (hg19) VCF-style: chr17-41243811-G-A.
Other names: c.785-762C>T (NM_001408392.1, NM_001407986.1, NM_001407972.1 and 13 more transcripts); c.665-762C>T (NM_001408441.1, NM_001408437.1, NM_001408429.1 and 12 more transcripts); c.788-762C>T (NM_001407982.1, NM_001407970.1, NM_001407979.1 and 17 more transcripts); c.647-762C>T (NM_001408410.1, NM_001408458.1, NM_001408469.1 and 11 more transcripts); c.710-762C>T (NM_001408415.1, NM_001408412.1, NM_001408409.1 and 2 more transcripts); c.578-762C>T (NM_001408483.1, NM_001408481.1, NM_001408480.1 and 9 more transcripts); c.3614C>T, p.Thr1205Ile (NM_001407682.1, NM_001407683.1, NM_001407937.1 and 19 more transcripts); c.3737C>T, p.Thr1246Ile (NM_001407684.1, NM_007300.4, NM_001407581.1 and 30 more transcripts); and 41 more; short protein forms T1246I, T1199I, T1175I, T1178I, T1245I, T950I, T1118I, T1119I.
Identifiers: ClinVar variation 650348 (VCV000650348.15), dbSNP rs878854949, ClinGen allele CA10594491.
Genomic context (GRCh38, chr17:43,091,794, plus strand): 5'-CTATTCTTCAATGATAATAAATTCTCCTCTGTGTTCTTAGACAGACACTCGGTAGCAACG[G>A]TGCTATGCCTAGTAGACTGAGAAGGTATATTGTTTACTTTACCAAATAACAAGTGTTGGA-3'
Protein context (NP_009225.1, residues 1236-1256): NIPSQSTRHS[Thr1246Ile]VATECLSKNT

ClinVar aggregate classification (germline): Conflicting classifications of pathogenicity. Review status: criteria provided, conflicting classifications (1 of 4 stars). 3 submissions from 3 submitters: Uncertain significance (2); Likely benign (1). Last evaluated 2025-09-16.

Conditions:
Hereditary breast ovarian cancer syndrome. Also called: Breast and ovarian cancer; BRCA1- and BRCA2-Associated Hereditary Breast and Ovarian Cancer; Hereditary breast and ovarian cancer; Hereditary breast and ovarian cancer syndrome (HBOC); Hereditary breast and/or ovarian cancer syndrome; Hereditary breast and ovarian cancer syndrome. Identifiers: Orphanet 145, MedGen C0677776, MeSH D061325, MONDO:0003582. Disease mechanism: loss of function.
Hereditary cancer-predisposing syndrome. Also called: Neoplastic Syndromes, Hereditary; Tumor predisposition; Hereditary Cancer Syndrome; Hereditary neoplastic syndrome. Identifiers: Orphanet 140162, MedGen C0027672, MeSH D009386, MONDO:0015356.

Allele frequency attached by ClinVar (database versions not stated): gnomAD exomes below 0.00001.
gnomAD v4.1: 5 of 1,614,146 alleles (0.00031%); highest among the groups gnomAD compares: South Asian, 0.0055%; no homozygotes.

Submissions (3):

Labcorp Genetics (formerly Invitae), Labcorp
Classification: Uncertain significance for Hereditary breast ovarian cancer syndrome. Last evaluated: 2025-09-16. Review status: criteria provided, single submitter. Criteria: Invitae Variant Classification Sherloc (09022015). Collection method: clinical testing. Allele origin: germline.
Comment: This sequence change replaces threonine, which is neutral and polar, with isoleucine, which is neutral and non-polar, at codon 1246 of the BRCA1 protein (p.Thr1246Ile). This variant is not present in population databases (gnomAD no frequency). This variant has not been reported in the literature in individuals affected with BRCA1-related conditions. ClinVar contains an entry for this variant (Variation ID: 650348). Invitae Evidence Modeling of protein sequence and biophysical properties (such as structural, functional, and spatial information, amino acid conservation, physicochemical variation, residue mobility, and thermodynamic stability) indicates that this missense variant is not expected to disrupt BRCA1 protein function with a negative predictive value of 80%. In summary, the available evidence is currently insufficient to determine the role of this variant in disease. Therefore, it has been classified as a Variant of Uncertain Significance.

Ambry Genetics
Classification: Uncertain significance for Hereditary cancer-predisposing syndrome. Last evaluated: 2025-06-16. Review status: criteria provided, single submitter. Criteria: Ambry Variant Classification Scheme 2023. Collection method: clinical testing. Allele origin: germline.
Comment: The p.T1246I variant (also known as c.3737C>T), located in coding exon 9 of the BRCA1 gene, results from a C to T substitution at nucleotide position 3737. The threonine at codon 1246 is replaced by isoleucine, an amino acid with similar properties. This amino acid position is not well conserved in available vertebrate species. In addition, this alteration is predicted to be tolerated by in silico analysis. Based on the available evidence, the clinical significance of this variant remains unclear.

University of Washington Department of Laboratory Medicine, University of Washington
Classification: Likely benign for Hereditary cancer-predisposing syndrome. Last evaluated: 2023-03-23. Review status: criteria provided, single submitter. Criteria: Dines et al. (Genet Med. 2020). Collection method: curation. Allele origin: germline.
Comment: Missense variant in a coldspot region where missense variants are very unlikely to be pathogenic (PMID:31911673).

BRCA1 coldspot (exon 11 using historical exon numbering). Reclassification based on statistical prior probability